The following is an entry in ClinVar:

NM_001166108.2(PALLD):c.1375G>A (p.Val459Ile)

Gene: PALLD (palladin, cytoskeletal associated protein; plus strand). Cytogenetic location: 4q32.3.
Variant type: single nucleotide variant.
Coding change: c.1375G>A on transcript NM_001166108.2 (MANE Select); coding-DNA position 1375, G replaced by A.
Protein change: p.Val459Ile; replaces valine 459 with isoleucine.
Molecular consequence: missense variant.
Genome position (GRCh38, 1-based): chr4:168,690,642, G>A. VCF-style: chr4-168690642-G-A. GRCh37 (hg19) VCF-style: chr4-169611793-G-A.
Other names: c.229G>A, p.Val77Ile (NM_001166109.2); c.1375G>A, p.Val459Ile (NM_016081.4); short protein forms V77I, V459I.
Identifiers: ClinVar variation 3413602 (VCV003413602.1).

ClinVar aggregate classification (germline): Uncertain significance (1 of 4 stars; one submission).

Submission:

Ambry Genetics
Classification: Uncertain significance. Last evaluated: 2024-08-22. Review status: criteria provided, single submitter. Criteria: Ambry Variant Classification Scheme 2023. Collection method: clinical testing. Allele origin: germline.
Comment: The p.V459I variant (also known as c.1375G>A), located in coding exon 6 of the PALLD gene, results from a G to A substitution at nucleotide position 1375. The valine at codon 459 is replaced by isoleucine, an amino acid with highly similar properties. This amino acid position is conserved. In addition, the in silico prediction for this alteration is inconclusive. Based on the available evidence, the clinical significance of this variant remains unclear.